The following is an entry in ClinVar:

NM_000494.4(COL17A1):c.1828del (p.Ser610fs)

Gene: COL17A1 (collagen type XVII alpha 1 chain; minus strand). Cytogenetic location: 10q25.1.
Variant type: Deletion.
Coding change: c.1828del on transcript NM_000494.4 (MANE Select); coding-DNA position 1828, one base deleted (A; older notation c.1828delA).
Protein change: p.Ser610fs; shifts the reading frame from serine 610.
Molecular consequence: frameshift variant.
Genome position (GRCh38, 1-based): chr10:104,053,926, T deleted on the plus strand (A on the coding strand, the reverse complement: COL17A1 is on the minus strand). VCF-style (leftmost placement, unchanged base first): chr10-104053925-CT-C. GRCh37 (hg19) VCF-style: chr10-105813683-CT-C.
Other names: short protein forms S610fs.
Identifiers: ClinVar variation 2026643 (VCV002026643.4), dbSNP rs2493335169, ClinGen allele CA2580081227.

ClinVar aggregate classification (germline): Pathogenic (1 of 4 stars; one submission).

Submission:

Labcorp Genetics (formerly Invitae), Labcorp
Classification: Pathogenic. Last evaluated: 2022-08-23. Review status: criteria provided, single submitter. Criteria: Invitae Variant Classification Sherloc (09022015). Collection method: clinical testing. Allele origin: germline.
Comment: For these reasons, this variant has been classified as Pathogenic. This variant has not been reported in the literature in individuals affected with COL17A1-related conditions. This variant is not present in population databases (gnomAD no frequency). This sequence change creates a premature translational stop signal (p.Ser610Alafs*73) in the COL17A1 gene. It is expected to result in an absent or disrupted protein product. Loss-of-function variants in COL17A1 are known to be pathogenic (PMID: 16473856, 17344927, 20301304, 21357940, 24319098).

Literature cited by the submitters: PubMed 16473856; PubMed 17344927; PubMed 20301304; PubMed 21357940; PubMed 24319098.